The following is an entry in ClinVar:

ClinVar aggregate classification (germline): Uncertain significance (1 of 4 stars; one submission).

gnomAD v4.1: 1 of 1,175,739 alleles (0.000085%); no homozygotes.

Submission:

Dasa
Classification: Uncertain significance. Last evaluated: 2025-05-09. Review status: criteria provided, single submitter. Criteria: DASA Assertion Criteria. Collection method: clinical testing. Allele origin: germline.
Comment: NM_001099856.6(IKBKG):c.189+4A>G is a splice-region variant. This variant is rare in population databases. The currently available literature and clinical evidence are not sufficient to establish a definitive association between this variant and the reported condition. Therefore, this variant is classified as a variant of uncertain significance.

NM_001099856.6(IKBKG):c.189+4A>G

Genes: G6PD (glucose-6-phosphate dehydrogenase; minus strand), IKBKG (inhibitor of nuclear factor kappa B kinase regulatory subunit gamma; plus strand), LOC108281126 (G6PD and IKBKG intron CAGE-defined low expression enhancer; plus strand). Cytogenetic location: Xq28.
Variant type: single nucleotide variant.
Coding change: c.189+4A>G on transcript NM_001099856.6; 4 bases into the intron after coding-DNA position 189, A replaced by G.
Molecular consequence: intron variant.
Genome position (GRCh38, 1-based): chrX:154,542,456, A>G. VCF-style: chrX-154542456-A-G. GRCh37 (hg19) VCF-style: chrX-153770671-A-G.
Other names: c.210+3580T>C (NM_000402.4); c.120+3580T>C (NM_001042351.3, NM_001360016.2); c.-16+1065A>G (NM_001377312.1, NM_001377313.1); c.-16+69A>G (NM_001321396.3).
Identifiers: ClinVar variation 4882458 (VCV004882458.2).